The following is an entry in ClinVar:

ClinVar aggregate classification (germline): Conflicting classifications of pathogenicity. Review status: criteria provided, conflicting classifications (1 of 4 stars). 3 submissions from 3 submitters: Pathogenic (1); Likely pathogenic (1); Uncertain significance (1). Last evaluated 2024-02-24.

Conditions:
Trichohepatoenteric syndrome 2 (THES2). Identifiers: Orphanet 84064, MedGen C3281289, MONDO:0013818, OMIM 614602.

Allele frequency attached by ClinVar (database versions not stated): TOPMed below 0.00001; ExAC 0.00001; gnomAD 0.00001 and 0.00002; gnomAD exomes 0.00001.
gnomAD v4.1: 11 of 1,612,434 alleles (0.00068%); highest among the groups gnomAD compares: South Asian, 0.0022%; no homozygotes.

Submissions (3):

Labcorp Genetics (formerly Invitae), Labcorp
Classification: Pathogenic. Last evaluated: 2024-02-24. Review status: criteria provided, single submitter. Criteria: Invitae Variant Classification Sherloc (09022015). Collection method: clinical testing. Allele origin: germline.
Comment: This sequence change creates a premature translational stop signal (p.Arg1030*) in the SKIV2L gene. It is expected to result in an absent or disrupted protein product. Loss-of-function variants in SKIV2L are known to be pathogenic (PMID: 22444670). This variant is present in population databases (rs781544014, gnomAD 0.006%). This variant has not been reported in the literature in individuals affected with SKIV2L-related conditions. ClinVar contains an entry for this variant (Variation ID: 432789). Algorithms developed to predict the effect of sequence changes on RNA splicing suggest that this variant may disrupt the consensus splice site. For these reasons, this variant has been classified as Pathogenic.

GeneDx
Classification: Uncertain significance. Last evaluated: 2020-07-02. Review status: criteria provided, single submitter. Criteria: GeneDx Variant Classification Process June 2021. Collection method: clinical testing. Allele origin: germline. Affected: yes.
Comment: Nonsense variant predicted to result in protein truncation or nonsense mediated decay in a gene for which loss-of-function is a known mechanism of disease; Has not been previously published as pathogenic or benign to our knowledge

Juno Genomics, Hangzhou Juno Genomics, Inc
Classification: Likely pathogenic for Trichohepatoenteric syndrome 2. Review status: criteria provided, single submitter. Criteria: ACMG Guidelines, 2015. Collection method: clinical testing. Allele origin: germline.
Comment: Absent from controls (or at extremely low frequency if recessive) in Genome Aggregation Database.;Null variant in a gene where loss of function (LOF) is a known mechanism of disease.

Literature cited by the submitters: PubMed 22444670 (cited by Labcorp Genetics (formerly Invitae), Labcorp).

NM_006929.5(SKIC2):c.3088C>T (p.Arg1030Ter)

Gene: SKIC2 (SKI2 subunit of superkiller complex; plus strand). Cytogenetic location: 6p21.33.
Variant type: single nucleotide variant.
Coding change: c.3088C>T on transcript NM_006929.5 (MANE Select); coding-DNA position 3088, C replaced by T.
Protein change: p.Arg1030Ter; replaces arginine 1030 with a stop codon.
Molecular consequence: nonsense.
Genome position (GRCh38, 1-based): chr6:31,968,704, C>T. VCF-style: chr6-31968704-C-T. GRCh37 (hg19) VCF-style: chr6-31936481-C-T.
Other names: short protein forms R1030*.
Identifiers: ClinVar variation 432789 (VCV000432789.10), dbSNP rs781544014, ClinGen allele CA3729973.